The following is an entry in ClinVar:

ClinVar aggregate classification (germline): Uncertain significance (1 of 4 stars; one submission).

Submission:

GeneDx
Classification: Uncertain significance. Last evaluated: 2026-03-31. Review status: criteria provided, single submitter. Criteria: GeneDx Variant Classification Process June 2021. Collection method: clinical testing. Allele origin: germline.
Comment: Not observed at significant frequency in large population cohorts (gnomAD); In silico analysis supports that this missense variant has a deleterious effect on protein structure/function; Has not been previously published as pathogenic or benign to our knowledge

NM_006565.4(CTCF):c.847C>G (p.Arg283Gly)

Gene: CTCF (CCCTC-binding factor; plus strand). Cytogenetic location: 16q22.1.
Variant type: single nucleotide variant.
Coding change: c.847C>G on transcript NM_006565.4 (MANE Select); coding-DNA position 847, C replaced by G.
Protein change: p.Arg283Gly; replaces arginine 283 with glycine.
Molecular consequence: missense variant. On other transcripts: intron variant (1).
Genome position (GRCh38, 1-based): chr16:67,612,016, C>G. VCF-style: chr16-67612016-C-G. GRCh37 (hg19) VCF-style: chr16-67645919-C-G.
Other names: c.847C>G, p.Arg283Gly (NM_001363916.2, NM_001438968.1, NM_001438969.1); c.-32-4729C>G (NM_001191022.2); short protein forms R283G.
Identifiers: ClinVar variation 5018099 (VCV005018099.1).
Genomic context (GRCh38, chr16:67,612,016, plus strand): 5'-AAGAAGACATTCCAGTGTGAGCTTTGCAGTTACACGTGTCCACGGCGTTCAAATTTGGAT[C>G]GTCACATGAAAAGCCACACTGATGAGAGACCACACAAGTGCCATCTCTGTGGCAGGGCAT-3'
Protein context (NP_006556.1, residues 273-293): YTCPRRSNLD[Arg283Gly]HMKSHTDERP